The following is an entry in ClinVar:

ClinVar aggregate classification (germline): Likely benign. Review status: criteria provided, multiple submitters, no conflicts (2 of 4 stars). 2 submissions from 2 submitters: Likely benign (2). Last evaluated 2025-12-10.

Conditions:
Glycogen storage disease, type VII (GSD7). Also called: TARUI DISEASE; MUSCLE PHOSPHOFRUCTOKINASE DEFICIENCY; PFKM DEFICIENCY; GSD VII. Identifiers: Orphanet 371, MedGen C0017926, MONDO:0009295, OMIM 232800.

Allele frequency attached by ClinVar (database versions not stated): gnomAD exomes 0.00001; ExAC 0.00002; gnomAD 0.00004 and 0.00005; TOPMed 0.00004.

Submissions (2):

Labcorp Genetics (formerly Invitae), Labcorp
Classification: Likely benign for Glycogen storage disease, type VII. Last evaluated: 2025-12-10. Review status: criteria provided, single submitter. Criteria: Invitae Variant Classification Sherloc (09022015). Collection method: clinical testing. Allele origin: germline.

GeneDx
Classification: Likely benign. Last evaluated: 2017-03-02. Review status: criteria provided, single submitter. Criteria: GeneDx Variant Classification (06012015). Collection method: clinical testing. Allele origin: germline. Affected: yes.
Comment: This variant is considered likely benign or benign based on one or more of the following criteria: it is a conservative change, it occurs at a poorly conserved position in the protein, it is predicted to be benign by multiple in silico algorithms, and/or has population frequency not consistent with disease.

NM_000289.6(PFKM):c.1063-19C>T

Gene: PFKM (phosphofructokinase, muscle; plus strand). Cytogenetic location: 12q13.11.
Variant type: single nucleotide variant.
Coding change: c.1063-19C>T on transcript NM_000289.6 (MANE Select); 19 bases into the intron before coding-DNA position 1063, C replaced by T.
Molecular consequence: intron variant.
Genome position (GRCh38, 1-based): chr12:48,139,266, C>T. VCF-style: chr12-48139266-C-T. GRCh37 (hg19) VCF-style: chr12-48533049-C-T.
Other names: c.1087-19C>T (NM_001354741.2); c.1063-19C>T (NM_001354742.2, NM_001354743.2, NM_001166688.2 and 2 more transcripts); c.913-19C>T (NM_001354747.2, NM_001354748.2); c.1276-19C>T (NM_001166686.2, NM_001354737.1, NM_001354739.1 and 1 more transcripts); c.970-19C>T (NM_001363619.2); c.1372-19C>T (NM_001354736.1, NM_001354735.1); c.1207-19C>T (NM_001354740.1); c.976-19C>T (NM_001354745.2); and 1 more.
Identifiers: ClinVar variation 385407 (VCV000385407.5), dbSNP rs772630501, ClinGen allele CA6537197.